The following is an entry in ClinVar:

NM_001768.7(CD8A):c.37G>C (p.Ala13Pro)

Gene: CD8A (CD8 subunit alpha; minus strand). Cytogenetic location: 2p11.2.
Variant type: single nucleotide variant.
Coding change: c.37G>C on transcript NM_001768.7 (MANE Select); coding-DNA position 37, G replaced by C.
Protein change: p.Ala13Pro; replaces alanine 13 with proline.
Molecular consequence: missense variant. On other transcripts: non-coding transcript variant (3).
Genome position (GRCh38, 1-based): chr2:86,790,789, C>G on the plus strand (G>C on the coding strand, the complement: CD8A is on the minus strand). VCF-style: chr2-86790789-C-G. GRCh37 (hg19) VCF-style: chr2-87017912-C-G.
Other names: c.37G>C, p.Ala13Pro (NM_001145873.1, NM_001382698.1, NM_171827.4); short protein forms A13P.
Identifiers: ClinVar variation 1020312 (VCV001020312.7), dbSNP rs754177445, ClinGen allele CA1751314.

ClinVar aggregate classification (germline): Uncertain significance (1 of 4 stars; one submission).

Conditions:
Susceptibility to respiratory infections associated with CD8alpha chain mutation (IMD116). Also called: Cd8 deficiency, familial; IMMUNODEFICIENCY 116. Identifiers: Orphanet 169085, MedGen C1837065, MONDO:0012161, OMIM 608957.

Allele frequency attached by ClinVar (database versions not stated): gnomAD 0.00001; ExAC 0.00007; gnomAD exomes 0.00001; TOPMed 0.00001.
gnomAD v4.1: 5 of 1,548,230 alleles (0.00032%); highest among the groups gnomAD compares: African/African-American, 0.0014%; no homozygotes.

Submission:

Labcorp Genetics (formerly Invitae), Labcorp
Classification: Uncertain significance for Susceptibility to respiratory infections associated with CD8alpha chain mutation. Last evaluated: 2020-01-13. Review status: criteria provided, single submitter. Criteria: Invitae Variant Classification Sherloc (09022015). Collection method: clinical testing. Allele origin: germline.
Comment: In summary, the available evidence is currently insufficient to determine the role of this variant in disease. Therefore, it has been classified as a Variant of Uncertain Significance. Algorithms developed to predict the effect of missense changes on protein structure and function are either unavailable or do not agree on the potential impact of this missense change (SIFT: "Tolerated"; PolyPhen-2: "Not Available"; Align-GVGD: "Class C0"). This variant has not been reported in the literature in individuals with CD8A-related conditions. While this variant is present in population databases (rs754177445), the frequency information is unreliable, as metrics indicate poor data quality at this position in the ExAC database. This sequence change replaces alanine with proline at codon 13 of the CD8A protein (p.Ala13Pro). The alanine residue is moderately conserved and there is a small physicochemical difference between alanine and proline.